The following is an entry in ClinVar:

ClinVar aggregate classification (germline): Likely pathogenic (1 of 4 stars; one submission).

Conditions:
Anemia, congenital dyserythropoietic, type 1a (CDAN1A). Also called: CDAN1-Related Congenital Dyserythropoietic Anemia; DYSERYTHROPOIETIC ANEMIA, CONGENITAL, TYPE Ia. Identifiers: MedGen C5574667, MONDO:0009135, OMIM 224120.

Submission:

Juno Genomics, Hangzhou Juno Genomics, Inc
Classification: Likely pathogenic for Anemia, congenital dyserythropoietic, type 1a. Review status: criteria provided, single submitter. Criteria: ACMG Guidelines, 2015. Collection method: clinical testing. Allele origin: germline.
Comment: Null variant in a gene where loss of function (LOF) is a known mechanism of disease.;Absent from controls (or at extremely low frequency if recessive) in Genome Aggregation Database.

NM_138477.4(CDAN1):c.2644_2645+11del

Gene: CDAN1 (codanin 1; minus strand). Cytogenetic location: 15q15.2.
Variant type: Deletion.
Coding change: c.2644_2645+11del on transcript NM_138477.4 (MANE Select); coding-DNA position 2644 through 11 bases into the intron after coding-DNA position 2645, 13 bases deleted (AAGTAAGAGTGGG).
Molecular consequence: splice donor variant.
Genome position (GRCh38, 1-based): chr15:42,729,012-42,729,024, CCCACTCTTACTT deleted on the plus strand (AAGTAAGAGTGGG on the coding strand, the reverse complement: CDAN1 is on the minus strand). VCF-style (leftmost placement, unchanged base first): chr15-42729011-ACCCACTCTTACTT-A. GRCh37 (hg19) VCF-style: chr15-43021209-ACCCACTCTTACTT-A.
Identifiers: ClinVar variation 5005403 (VCV005005403.2).
Genomic context (GRCh38, chr15:42,729,011, plus strand): 5'-CAGTTTAGCAACTGAGGAAAAAGGGGAAAAAATGGTAGGGCGATGAGACCAGGATCCTTA[ACCCACTCTTACTT>A]GATATGTTTGACACAGTTTGATCCAATTCTTTCTGCCACGAACTCTACGGTCCGGCGCAA-3'